The following is an entry in ClinVar:

NM_000179.3(MSH6):c.2998A>G (p.Lys1000Glu)

Gene: MSH6 (mutS homolog 6; plus strand). Cytogenetic location: 2p16.3.
Variant type: single nucleotide variant.
Coding change: c.2998A>G on transcript NM_000179.3 (MANE Select); coding-DNA position 2998, A replaced by G.
Protein change: p.Lys1000Glu; replaces lysine 1000 with glutamic acid.
Molecular consequence: missense variant. On other transcripts: non-coding transcript variant (5), intron variant (2).
Genome position (GRCh38, 1-based): chr2:47,800,981, A>G. VCF-style: chr2-47800981-A-G. GRCh37 (hg19) VCF-style: chr2-48028120-A-G.
Other names: c.2608A>G, p.Lys870Glu (NM_001281492.2); c.2092A>G, p.Lys698Glu (NM_001281493.2, NM_001281494.2, NM_001406823.1 and 6 more transcripts); c.3094A>G, p.Lys1032Glu (NM_001406795.1, NM_001406802.1); c.2998A>G, p.Lys1000Glu (NM_001406796.1, NM_001406798.1, NM_001406800.1 and 2 more transcripts); c.2701A>G, p.Lys901Glu (NM_001406797.1, NM_001406801.1, NM_001406805.1 and 10 more transcripts); c.2473A>G, p.Lys825Glu (NM_001406799.1, NM_001406806.1, NM_001406807.1); c.2920A>G, p.Lys974Glu (NM_001406804.1); c.2830A>G, p.Lys944Glu (NM_001406826.1); and 4 more; short protein forms K901E, K944E, K1000E, K1002E, K974E, K1032E, K315E, K698E.
Identifiers: ClinVar variation 3296396 (VCV003296396.1).

ClinVar aggregate classification (germline): Uncertain significance (1 of 4 stars; one submission).

Conditions:
Hereditary cancer-predisposing syndrome. Also called: Tumor predisposition; Hereditary Cancer Syndrome; Hereditary neoplastic syndrome; Neoplastic Syndromes, Hereditary. Identifiers: Orphanet 140162, MedGen C0027672, MeSH D009386, MONDO:0015356.

Submission:

Ambry Genetics
Classification: Uncertain significance for Hereditary cancer-predisposing syndrome. Last evaluated: 2024-05-04. Review status: criteria provided, single submitter. Criteria: Ambry Variant Classification Scheme 2023. Collection method: clinical testing. Allele origin: germline.
Comment: The p.K1000E variant (also known as c.2998A>G), located in coding exon 4 of the MSH6 gene, results from an A to G substitution at nucleotide position 2998. The lysine at codon 1000 is replaced by glutamic acid, an amino acid with similar properties. This amino acid position is conserved. In addition, this alteration is predicted to be deleterious by in silico analysis. Based on the available evidence, the clinical significance of this variant remains unclear.